The following is an entry in ClinVar:

ClinVar aggregate classification (germline): Conflicting classifications of pathogenicity. Review status: criteria provided, conflicting classifications (1 of 4 stars). 4 submissions from 4 submitters: Uncertain significance (3); Likely benign (1). Last evaluated 2025-02-07.

Conditions:
PKD1-related disorder. Also called: PKD1-related condition.
Polycystic kidney disease, adult type (PKD1). Also called: POLYCYSTIC KIDNEY DISEASE, ADULT, TYPE I; Polycystic Kidney Disease 1, Autosomal Dominant; Polycystic kidney disease 1; Polycystic kidney disease 1, severe; Polycystic Kidney, Autosomal Dominant; POLYCYSTIC KIDNEY DISEASE 1 WITH OR WITHOUT POLYCYSTIC LIVER DISEASE. Identifiers: MedGen C3149841, MONDO:0008263, OMIM 173900.

Allele frequency attached by ClinVar (database versions not stated): ESP Exome Variant Server 0.00008; TOPMed 0.00012; gnomAD 0.00015; ExAC 0.00018.
gnomAD v4.1: 100 of 1,598,012 alleles (0.0063%); highest among the groups gnomAD compares: Middle Eastern, 0.068%; no homozygotes.

Submissions (4):

GeneDx
Classification: Uncertain significance. Last evaluated: 2025-02-07. Review status: criteria provided, single submitter. Criteria: GeneDx Variant Classification Process June 2021. Collection method: clinical testing. Allele origin: germline. Affected: yes.
Comment: In silico analysis supports that this missense variant has a deleterious effect on protein structure/function; This variant is associated with the following publications: (PMID: 22185115, 30333007)

PreventionGenetics, part of Exact Sciences
Classification: Uncertain significance for PKD1-related condition. Last evaluated: 2024-12-06. Review status: criteria provided, single submitter. Criteria: ACMG Guidelines, 2015. Collection method: clinical testing. Allele origin: germline.
Comment: The PKD1 c.7241C>T variant is predicted to result in the amino acid substitution p.Thr2414Met. This variant was reported in a family with autosomal dominant polycystic kidney disease (ADPKD) (He et al. 2018. PubMed ID: 30333007). However, in that family, the variant co-occurred with a pathogenic splice variant c.11269+1G>A in the PKD1 gene. This variant is reported in 0.10% of alleles in individuals of East Asian descent in gnomAD. Although we suspect that the c.7241C>T (p.Thr2414Met) variant may be benign due to the relatively high allele frequency in the general population, at this time, the clinical significance of this variant is uncertain due to the absence of conclusive functional and genetic evidence.

Clinical Genetics Laboratory, Skane University Hospital Lund
Classification: Uncertain significance. Last evaluated: 2022-05-27. Review status: criteria provided, single submitter. Criteria: ACMG Guidelines, 2015. Collection method: clinical testing. Allele origin: germline. Affected: yes.

Department of Pathology and Laboratory Medicine, Sinai Health System
Classification: Likely benign for Polycystic kidney disease, adult type. Last evaluated: 2021-12-08. Review status: criteria provided, single submitter. Criteria: ACMG Guidelines, 2015. Collection method: clinical testing. Allele origin: germline. Affected: yes.

NM_001009944.3(PKD1):c.7241C>T (p.Thr2414Met)

Gene: PKD1 (polycystin 1, transient receptor potential channel interacting; minus strand). Cytogenetic location: 16p13.3.
Variant type: single nucleotide variant.
Coding change: c.7241C>T on transcript NM_001009944.3 (MANE Select); coding-DNA position 7241, C replaced by T.
Protein change: p.Thr2414Met; replaces threonine 2414 with methionine.
Molecular consequence: missense variant.
Genome position (GRCh38, 1-based): chr16:2,106,646, G>A on the plus strand (C>T on the coding strand, the complement: PKD1 is on the minus strand). VCF-style: chr16-2106646-G-A. GRCh37 (hg19) VCF-style: chr16-2156647-G-A.
Other names: c.7241C>T (NM_000296.3); c.7241C>T, p.Thr2414Met (NM_000296.4); short protein forms T2414M.
Identifiers: ClinVar variation 3038170 (VCV003038170.7), dbSNP rs201267349, ClinGen allele CA7831207.
Genomic context (GRCh38, chr16:2,106,646, plus strand): 5'-CGCAGCACCAGTCGCATGCCTGCACTGCCCGTGGATGTGGTGGTCTCATCCAGCACCAGC[G>A]TCTTGTTGCTGAACGTACGTGCAGCCCACCGCTGCAGGCAGAAGGGGTGGTGAGGGGGCG-3'
Protein context (NP_001009944.3, residues 2404-2424): RWAARTFSNK[Thr2414Met]LVLDETTTST